The following is an entry in ClinVar:

NM_000318.3(PEX2):c.402A>G (p.Lys134=)

Gene: PEX2 (peroxisomal biogenesis factor 2; minus strand). Cytogenetic location: 8q21.13.
Variant type: single nucleotide variant.
Coding change: c.402A>G on transcript NM_000318.3 (MANE Select); coding-DNA position 402, A replaced by G.
Protein change: p.Lys134=; no amino-acid change (lysine 134 retained).
Molecular consequence: synonymous variant.
Genome position (GRCh38, 1-based): chr8:76,983,777, T>C on the plus strand (A>G on the coding strand, the complement: PEX2 is on the minus strand). VCF-style: chr8-76983777-T-C. GRCh37 (hg19) VCF-style: chr8-77896013-T-C.
Other names: c.402A>G, p.Lys134= (NM_001079867.2, NM_001172086.2, NM_001172087.2); c.402A>G (NM_000318.2).
Identifiers: ClinVar variation 1087549 (VCV001087549.11), dbSNP rs953517125, ClinGen allele CA179988271.
Genomic context (GRCh38, chr8:76,983,777, plus strand): 5'-AAAATTAATCAGCCCACCTAATTTCAAAAGTCCAATCACAAAATTCACACACTGCTTGAC[T>C]TTCCCAAATGATGCTAAATGATGGTTTCGAAACAAATCATAGCATCGTTCTTCTAACCAC-3'
Protein context (NP_000309.2, residues 124-144): FRNHHLASFG[Lys134=]VKQCVNFVIG

ClinVar aggregate classification (germline): Likely benign. Review status: criteria provided, single submitter (1 of 4 stars). 2 submissions from 2 submitters: Likely benign (1). 1 of the submissions does not count toward it. Last evaluated 2025-09-03.

Conditions:
PEX2-related disorder. Also called: PEX2-related condition.
Peroxisome biogenesis disorder 5A (Zellweger) (PBD5A). Identifiers: Orphanet 912, MedGen C3553940, MONDO:0013932, OMIM 614866.

Allele frequency attached by ClinVar (database versions not stated): gnomAD exomes below 0.00001; TOPMed 0.00002.
gnomAD v4.1: 3 of 1,614,114 alleles (0.00019%); highest among the groups gnomAD compares: African/African-American, 0.004%; no homozygotes.

Submissions (2):

Labcorp Genetics (formerly Invitae), Labcorp
Classification: Likely benign for Peroxisome biogenesis disorder 5A (Zellweger). Last evaluated: 2025-09-03. Review status: criteria provided, single submitter. Criteria: Invitae Variant Classification Sherloc (09022015). Collection method: clinical testing. Allele origin: germline.

PreventionGenetics, part of Exact Sciences
Classification: Likely benign for PEX2-related condition. Last evaluated: 2023-04-25. Review status: no assertion criteria provided. Collection method: clinical testing. Allele origin: germline. Not counted in ClinVar's aggregate classification.
Comment: This variant is classified as likely benign based on ACMG/AMP sequence variant interpretation guidelines (Richards et al. 2015 PMID: 25741868, with internal and published modifications).